The following is an entry in ClinVar:

NM_017837.4(PIGV):c.638T>C (p.Leu213Pro)

Gene: PIGV (phosphatidylinositol glycan anchor biosynthesis class V; plus strand). Cytogenetic location: 1p36.11.
Variant type: single nucleotide variant.
Coding change: c.638T>C on transcript NM_017837.4 (MANE Select); coding-DNA position 638, T replaced by C.
Protein change: p.Leu213Pro; replaces leucine 213 with proline.
Molecular consequence: missense variant. On other transcripts: non-coding transcript variant (1), intron variant (3).
Genome position (GRCh38, 1-based): chr1:26,794,672, T>C. VCF-style: chr1-26794672-T-C. GRCh37 (hg19) VCF-style: chr1-27121163-T-C.
Other names: c.638T>C, p.Leu213Pro (NM_001202554.2, NM_001374478.1, NM_001374480.1 and 2 more transcripts); c.257T>C, p.Leu86Pro (NM_001374483.1); c.173-162T>C (NM_001374484.1, NM_001374485.1); c.79-2891T>C (NM_001374486.1); short protein forms L213P, L86P.
Identifiers: ClinVar variation 378365 (VCV000378365.7), dbSNP rs146852030, ClinGen allele CA708089.

ClinVar aggregate classification (germline): Uncertain significance. Review status: criteria provided, multiple submitters, no conflicts (2 of 4 stars). 2 submissions from 2 submitters: Uncertain significance (2). Last evaluated 2025-12-19.

Allele frequency attached by ClinVar (database versions not stated): gnomAD 0.00002 and 0.00003; TOPMed 0.00007; gnomAD exomes 0.00001; ExAC 0.00002; ESP Exome Variant Server 0.00008.
gnomAD v4.1: 7 of 1,614,136 alleles (0.00043%); highest among the groups gnomAD compares: African/African-American, 0.0053%; no homozygotes.

Submissions (2):

GeneDx
Classification: Uncertain significance. Last evaluated: 2025-12-19. Review status: criteria provided, single submitter. Criteria: GeneDx Variant Classification Process June 2021. Collection method: clinical testing. Allele origin: germline. Affected: yes.
Comment: Reported previously in a control dataset and no further information was provided (PMID: 26934580); In silico analysis suggests that this missense variant does not alter protein structure/function; Not observed at significant frequency in large population cohorts (gnomAD); This variant is associated with the following publications: (PMID: 26934580)

Labcorp Genetics (formerly Invitae), Labcorp
Classification: Uncertain significance. Last evaluated: 2024-11-18. Review status: criteria provided, single submitter. Criteria: Invitae Variant Classification Sherloc (09022015). Collection method: clinical testing. Allele origin: germline.
Comment: This sequence change replaces leucine, which is neutral and non-polar, with proline, which is neutral and non-polar, at codon 213 of the PIGV protein (p.Leu213Pro). This variant is present in population databases (rs146852030, gnomAD 0.01%). This variant has not been reported in the literature in individuals affected with PIGV-related conditions. ClinVar contains an entry for this variant (Variation ID: 378365). Invitae Evidence Modeling of protein sequence and biophysical properties (such as structural, functional, and spatial information, amino acid conservation, physicochemical variation, residue mobility, and thermodynamic stability) has been performed for this missense variant. However, the output from this modeling did not meet the statistical confidence thresholds required to predict the impact of this variant on PIGV protein function. In summary, the available evidence is currently insufficient to determine the role of this variant in disease. Therefore, it has been classified as a Variant of Uncertain Significance.